The following is an entry in ClinVar:

ClinVar aggregate classification (germline): Uncertain significance. Review status: criteria provided, multiple submitters, no conflicts (2 of 4 stars). 2 submissions from 2 submitters: Uncertain significance (2). Last evaluated 2024-12-02.

Conditions:
Inborn genetic diseases. Identifiers: MedGen C0950123, MeSH D030342.

Allele frequency attached by ClinVar (database versions not stated): gnomAD exomes below 0.00001 and 0.00001; gnomAD 0.00005 and 0.00006; TOPMed 0.00005.
gnomAD v4.1: 11 of 1,613,966 alleles (0.00068%); highest among the groups gnomAD compares: African/African-American, 0.015%; no homozygotes.

Submissions (2):

Labcorp Genetics (formerly Invitae), Labcorp
Classification: Uncertain significance. Last evaluated: 2024-12-02. Review status: criteria provided, single submitter. Criteria: Invitae Variant Classification Sherloc (09022015). Collection method: clinical testing. Allele origin: germline.
Comment: This sequence change replaces glycine, which is neutral and non-polar, with glutamic acid, which is acidic and polar, at codon 109 of the PEX11B protein (p.Gly109Glu). This variant is present in population databases (no rsID available, gnomAD 0.008%). This variant has not been reported in the literature in individuals affected with PEX11B-related conditions. ClinVar contains an entry for this variant (Variation ID: 858122). An algorithm developed to predict the effect of missense changes on protein structure and function (PolyPhen-2) suggests that this variant is likely to be disruptive. In summary, the available evidence is currently insufficient to determine the role of this variant in disease. Therefore, it has been classified as a Variant of Uncertain Significance.

Ambry Genetics
Classification: Uncertain significance for Inborn genetic diseases. Last evaluated: 2023-08-22. Review status: criteria provided, single submitter. Criteria: Ambry Variant Classification Scheme 2023. Collection method: clinical testing. Allele origin: germline.

NM_003846.3(PEX11B):c.326G>A (p.Gly109Glu)

Gene: PEX11B (peroxisomal biogenesis factor 11 beta; minus strand). Cytogenetic location: 1q21.1.
Variant type: single nucleotide variant.
Coding change: c.326G>A on transcript NM_003846.3 (MANE Select); coding-DNA position 326, G replaced by A.
Protein change: p.Gly109Glu; replaces glycine 109 with glutamic acid.
Molecular consequence: missense variant. On other transcripts: non-coding transcript variant (3).
Genome position (GRCh38, 1-based): chr1:145,916,865, C>T on the plus strand (G>A on the coding strand, the complement: PEX11B is on the minus strand). VCF-style: chr1-145916865-C-T. GRCh37 (hg19) VCF-style: chr1-145518224-G-A.
Other names: c.284G>A, p.Gly95Glu (NM_001184795.1); short protein forms G109E, G95E.
Identifiers: ClinVar variation 858122 (VCV000858122.10), dbSNP rs1406489908, ClinGen allele CA342123214.
Genomic context (GRCh38, chr1:145,916,865, plus strand): 5'-AGGATATCAAACCTGAATGAACGCTGGGCCCACTTCTCCTGATCCACACGGGGAGCCAGT[C>T]CAGACTTTCCAGCCCACAGGACATTGTCACAGGCGAAGTACAAGGCTCGATTGAGGTGAC-3'
Protein context (NP_003837.1, residues 99-119): CDNVLWAGKS[Gly109Glu]LAPRVDQEKW